The following is an entry in ClinVar:

ClinVar aggregate classification (germline): Uncertain significance (1 of 4 stars; one submission).

Submission:

Women's Health and Genetics/Laboratory Corporation of America, LabCorp
Classification: Uncertain significance. Last evaluated: 2024-06-11. Review status: criteria provided, single submitter. Criteria: LabCorp Variant Classification Summary - May 2015. Collection method: clinical testing. Allele origin: germline.
Comment: Variant summary: SLC12A3 c.1608C>G (p.Phe536Leu) results in a non-conservative amino acid change located in the Amino acid permease/ SLC12A domain (IPR004841) of the encoded protein sequence. Five of five in-silico tools predict a damaging effect of the variant on protein function. The variant was absent in 251490 control chromosomes. c.1608C>G has been reported in the literature in individual(s) affected with Familial Hypokalemia-Hypomagnesemia without clear clinical description (de Jone_2002). These report(s) do not provide unequivocal conclusions about association of the variant with Familial Hypokalemia-Hypomagnesemia. At least one publication reports experimental evidence evaluating an impact on protein function. The most pronounced variant effect results in >80 reduction of sodium uptake compared to wild type protein in Xenopus oocytes (de Jone_2002, Ravarotto_2018). The following publications have been ascertained in the context of this evaluation (PMID: 29925901, 12039972). No submitters have cited clinical-significance assessments for this variant to ClinVar. Based on the evidence outlined above, the variant was classified as VUS-possibly pathogenic.

Literature cited by the submitters: PubMed 12039972; PubMed 29925901.

NM_001126108.2(SLC12A3):c.1608C>G (p.Phe536Leu)

Gene: SLC12A3 (solute carrier family 12 member 3; plus strand). Cytogenetic location: 16q13.
Variant type: single nucleotide variant.
Coding change: c.1608C>G on transcript NM_001126108.2 (MANE Select); coding-DNA position 1608, C replaced by G.
Protein change: p.Phe536Leu; replaces phenylalanine 536 with leucine.
Molecular consequence: missense variant.
Genome position (GRCh38, 1-based): chr16:56,882,436, C>G. VCF-style: chr16-56882436-C-G. GRCh37 (hg19) VCF-style: chr16-56916348-C-G.
Other names: c.1608C>G, p.Phe536Leu (NM_000339.3); c.1605C>G, p.Phe535Leu (NM_001126107.2, NM_001410896.1); short protein forms F535L, F536L.
Identifiers: ClinVar variation 3339602 (VCV003339602.1).